The following is an entry in ClinVar:

NM_001283009.2(RTEL1):c.2850del (p.Gly951fs)

Genes: RTEL1 (regulator of telomere elongation helicase 1; plus strand), RTEL1-TNFRSF6B (RTEL1-TNFRSF6B readthrough (NMD candidate); plus strand). Cytogenetic location: 20q13.33.
Variant type: Deletion.
Coding change: c.2850del on transcript NM_001283009.2 (MANE Select); coding-DNA position 2850, one base deleted (A; older notation c.2850delA).
Protein change: p.Gly951fs; shifts the reading frame from glycine 951.
Molecular consequence: frameshift variant. On other transcripts: non-coding transcript variant (1).
Genome position (GRCh38, 1-based): chr20:63,693,002, A deleted; the last of 2 consecutive A bases (chr20:63,693,001-63,693,002); deleting either gives the same sequence. VCF-style (leftmost placement, unchanged base first): chr20-63693000-CA-C. GRCh37 (hg19) VCF-style: chr20-62324353-CA-C.
Other names: c.2181del, p.Gly728fs (NM_001283010.1); c.2850del, p.Gly951fs (NM_016434.4); c.2922del, p.Gly975fs (NM_032957.5); short protein forms G951fs, G728fs, G975fs.
Identifiers: ClinVar variation 839752 (VCV000839752.10), dbSNP rs2090792717, ClinGen allele CA916083773.

ClinVar aggregate classification (germline): Pathogenic (1 of 4 stars; one submission).

Conditions:
Dyskeratosis congenita, autosomal recessive 5 (DKCB5). Identifiers: MedGen C3554656, MONDO:0014076, OMIM 615190.
Pulmonary fibrosis and/or bone marrow failure, Telomere-related, 3. Also called: PULMONARY FIBROSIS AND/OR BONE MARROW FAILURE SYNDROME, TELOMERE-RELATED, 3. Identifiers: Orphanet 2032, MedGen C4225346, MONDO:0014613, OMIM 616373.

Submission:

Labcorp Genetics (formerly Invitae), Labcorp
Classification: Pathogenic for Dyskeratosis congenita, autosomal recessive 5; Pulmonary fibrosis and/or bone marrow failure, Telomere-related, 3. Last evaluated: 2019-02-23. Review status: criteria provided, single submitter. Criteria: Invitae Variant Classification Sherloc (09022015). Collection method: clinical testing. Allele origin: germline.
Comment: This sequence change creates a premature translational stop signal (p.Gly951Alafs*21) in the RTEL1 gene. It is expected to result in an absent or disrupted protein product. This variant is not present in population databases (ExAC no frequency). This variant has not been reported in the literature in individuals with RTEL1-related conditions. Loss-of-function variants in RTEL1 are known to be pathogenic (PMID: 23453664, 23959892, 25607374). For these reasons, this variant has been classified as Pathogenic.

Literature cited by the submitters: PubMed 23453664; PubMed 23959892; PubMed 25607374.